The following is an entry in ClinVar:

NM_000158.4(GBE1):c.574A>C (p.Lys192Gln)

Gene: GBE1 (1,4-alpha-glucan branching enzyme 1; minus strand). Cytogenetic location: 3p12.2.
Variant type: single nucleotide variant.
Coding change: c.574A>C on transcript NM_000158.4 (MANE Select); coding-DNA position 574, A replaced by C.
Protein change: p.Lys192Gln; replaces lysine 192 with glutamine.
Molecular consequence: missense variant.
Genome position (GRCh38, 1-based): chr3:81,648,973, T>G on the plus strand (A>C on the coding strand, the complement: GBE1 is on the minus strand). VCF-style: chr3-81648973-T-G. GRCh37 (hg19) VCF-style: chr3-81698124-T-G.
Other names: short protein forms K192Q.
Identifiers: ClinVar variation 1714355 (VCV001714355.5), dbSNP rs2471826485, ClinGen allele CA353688464.

ClinVar aggregate classification (germline): Uncertain significance (1 of 4 stars; one submission).

Conditions:
Glycogen storage disease IV, classic hepatic. Also called: GSD IV, CLASSIC HEPATIC. Identifiers: MedGen C1856301.
Glycogen storage disease, type IV (GSD4). Also called: BRANCHER DEFICIENCY; CIRRHOSIS, FAMILIAL, WITH DEPOSITION OF ABNORMAL GLYCOGEN; AMYLOPECTINOSIS; ANDERSEN DISEASE; Glycogen storage disease due to glycogen branching enzyme deficiency; GBE1 DEFICIENCY. Identifiers: Orphanet 367, MedGen C0017923, MONDO:0009292, OMIM 232500.

Submission:

Labcorp Genetics (formerly Invitae), Labcorp
Classification: Uncertain significance for Glycogen storage disease, type IV; Glycogen storage disease IV, classic hepatic. Last evaluated: 2024-10-21. Review status: criteria provided, single submitter. Criteria: Invitae Variant Classification Sherloc (09022015). Collection method: clinical testing. Allele origin: germline.
Comment: This sequence change replaces lysine, which is basic and polar, with glutamine, which is neutral and polar, at codon 192 of the GBE1 protein (p.Lys192Gln). This variant is not present in population databases (gnomAD no frequency). This variant has not been reported in the literature in individuals affected with GBE1-related conditions. ClinVar contains an entry for this variant (Variation ID: 1714355). Invitae Evidence Modeling of protein sequence and biophysical properties (such as structural, functional, and spatial information, amino acid conservation, physicochemical variation, residue mobility, and thermodynamic stability) indicates that this missense variant is not expected to disrupt GBE1 protein function with a negative predictive value of 95%. In summary, the available evidence is currently insufficient to determine the role of this variant in disease. Therefore, it has been classified as a Variant of Uncertain Significance.